The following is an entry in ClinVar:

ClinVar aggregate classification (germline): Pathogenic. Review status: criteria provided, multiple submitters, no conflicts (2 of 4 stars). 3 submissions from 3 submitters: Pathogenic (2). 1 of the submissions does not count toward it. Last evaluated 2026-08-19.

Conditions:
Hyperinsulinemic hypoglycemia, familial, 1 (HHF1). Also called: Persistent Hyperinsulinemia Hypoglycemia of Infancy; Persistent hyperinsulinemic hypoglycemia of infancy; HYPERINSULINISM, FAMILIAL, WITH PANCREATIC NESIDIOBLASTOSIS; HYPOGLYCEMIA, HYPERINSULINEMIC, OF INFANCY; NESIDIOBLASTOSIS OF PANCREAS. Identifiers: Orphanet 276575, Orphanet 276598, MedGen C2931832, MONDO:0009734, OMIM 256450.

Allele frequency attached by ClinVar (database versions not stated): gnomAD exomes 0.00001.
gnomAD v4.1: 9 of 1,613,976 alleles (0.00056%); highest among the groups gnomAD compares: Non-Finnish European, 0.00076%; no homozygotes.

Submissions (3):

Myriad Genetics, Inc.
Classification: Pathogenic for Hyperinsulinemic hypoglycemia, familial, 1. Last evaluated: 2026-08-19. Review status: criteria provided, single submitter. Criteria: Myriad Autosomal Dominant, Autosomal Recessive and X-Linked Classification Criteria (2023). Collection method: clinical testing. Allele origin: unknown.
Comment: NM_000352.3(ABCC8):c.4119+1G>A is a variant in a canonical splice site classified as pathogenic in the context of familial hyperinsulinism, ABCC8-related. c.4119+1G>A has been observed in cases with relevant disease (PMID: 23275527, 32267248). Relevant functional assessments of this variant are not available in the literature. c.4119+1G>A has not been observed in referenced population frequency databases. In summary, NM_000352.3(ABCC8):c.4119+1G>A is a variant in a canonical splice site in a gene where loss of function is a known mechanism of disease, is predicted to disrupt protein function, and has been observed more frequently in cases with the relevant disease than in healthy populations. Please note: this variant was assessed in the context of healthy population screening.

Genetic Services Laboratory, University of Chicago
Classification: Pathogenic for Hyperinsulinemic hypoglycemia, familial, 1. Last evaluated: 2015-07-29. Review status: criteria provided, single submitter. Criteria: ACMG Guidelines, 2015. Collection method: clinical testing. Allele origin: germline. Affected: yes.

Counsyl
Classification: Likely pathogenic for Hyperinsulinemic hypoglycemia, familial, 1. Last evaluated: 2017-03-24. Review status: no assertion criteria provided. Collection method: clinical testing. Allele origin: unknown. Not counted in ClinVar's aggregate classification.

Literature cited by the submitters: PubMed 23275527 (cited by Myriad Genetics, Inc. and Counsyl); PubMed 32267248 (cited by Myriad Genetics, Inc.).

NM_000352.6(ABCC8):c.4119+1G>A

Gene: ABCC8 (ATP binding cassette subfamily C member 8; minus strand). Cytogenetic location: 11p15.1.
Variant type: single nucleotide variant.
Coding change: c.4119+1G>A on transcript NM_000352.6 (MANE Select); the canonical splice donor site of the intron after coding-DNA position 4119, G replaced by A.
Molecular consequence: splice donor variant.
Genome position (GRCh38, 1-based): chr11:17,396,915, C>T on the plus strand (G>A on the coding strand, the complement: ABCC8 is on the minus strand). VCF-style: chr11-17396915-C-T. GRCh37 (hg19) VCF-style: chr11-17418462-C-T.
Other names: c.4116+1G>A (NM_001351297.2); c.4119+1G>A (NM_001351296.2); c.4185+1G>A (NM_001351295.2); c.4122+1G>A (NM_001287174.3).
Identifiers: ClinVar variation 210078 (VCV000210078.9), dbSNP rs797045211, ClinGen allele CA277130.